The following is an entry in ClinVar:

ClinVar aggregate classification (germline): Uncertain significance (1 of 4 stars; one submission).

Conditions:
Autosomal recessive limb-girdle muscular dystrophy type 2F (LGMDR6). Also called: Muscular dystrophy limb-girdle with delta-sarcoglyan deficiency; MUSCULAR DYSTROPHY, LIMB-GIRDLE, AUTOSOMAL RECESSIVE 6. Identifiers: Orphanet 219, MedGen C1832525, MONDO:0011028, OMIM 601287. Disease mechanism: Affects gamma-sarcoglycan and also disrupts the integrity of the entire sarcoglycan complex..

Allele frequency attached by ClinVar (database versions not stated): gnomAD 0.00001; gnomAD exomes 0.00001; TOPMed 0.00001.
gnomAD v4.1: 8 of 1,607,800 alleles (0.0005%); highest among the groups gnomAD compares: South Asian, 0.0022%; no homozygotes.

Submission:

Labcorp Genetics (formerly Invitae), Labcorp
Classification: Uncertain significance for Autosomal recessive limb-girdle muscular dystrophy type 2F. Last evaluated: 2021-01-08. Review status: criteria provided, single submitter. Criteria: Invitae Variant Classification Sherloc (09022015). Collection method: clinical testing. Allele origin: germline.
Comment: In summary, the available evidence is currently insufficient to determine the role of this variant in disease. Therefore, it has been classified as a Variant of Uncertain Significance. Algorithms developed to predict the effect of missense changes on protein structure and function are either unavailable or do not agree on the potential impact of this missense change (SIFT: "Deleterious"; PolyPhen-2: "Probably Damaging"; Align-GVGD: "Class C0"). This variant has not been reported in the literature in individuals with SGCD-related conditions. This variant is not present in population databases (ExAC no frequency). This sequence change replaces arginine with tryptophan at codon 198 of the SGCD protein (p.Arg198Trp). The arginine residue is highly conserved and there is a moderate physicochemical difference between arginine and tryptophan.

NM_000337.6(SGCD):c.592C>T (p.Arg198Trp)

Gene: SGCD (sarcoglycan delta; plus strand). Cytogenetic location: 5q33.3.
Variant type: single nucleotide variant.
Coding change: c.592C>T on transcript NM_000337.6 (MANE Select); coding-DNA position 592, C replaced by T.
Protein change: p.Arg198Trp; replaces arginine 198 with tryptophan.
Molecular consequence: missense variant.
Genome position (GRCh38, 1-based): chr5:156,757,597, C>T. VCF-style: chr5-156757597-C-T. GRCh37 (hg19) VCF-style: chr5-156184608-C-T.
Other names: c.589C>T, p.Arg197Trp (NM_001128209.2); c.592C>T, p.Arg198Trp (NM_172244.3); short protein forms R198W, R197W.
Identifiers: ClinVar variation 852123 (VCV000852123.8), dbSNP rs561825515, ClinGen allele CA362008355.